The following is an entry in ClinVar:

ClinVar aggregate classification (germline): not provided (0 of 4 stars; one submission).

Allele frequency attached by ClinVar (database versions not stated): ExAC 0.00001; gnomAD 0.00001; TOPMed 0.00001; gnomAD exomes 0.00002.
gnomAD v4.1: 20 of 1,614,034 alleles (0.0012%); highest among the groups gnomAD compares: Admixed American, 0.01%; no homozygotes.

Submission:

Human Evolutionary Genetics, Institut Pasteur
No classification provided. Review status: no classification provided. Collection method: not provided. Allele origin: germline.
ClinVar note: Converted during submission from untested to not provided.

NM_001384950.1(NLRC5):c.3905G>A (p.Arg1302Gln)

Gene: NLRC5 (NLR family CARD domain containing 5; plus strand). Cytogenetic location: 16q13.
Variant type: single nucleotide variant.
Coding change: c.3905G>A on transcript NM_001384950.1 (MANE Select); coding-DNA position 3905, G replaced by A.
Protein change: p.Arg1302Gln; replaces arginine 1302 with glutamine.
Molecular consequence: missense variant. On other transcripts: non-coding transcript variant (9), intron variant (2).
Genome position (GRCh38, 1-based): chr16:57,059,046, G>A. VCF-style: chr16-57059046-G-A. GRCh37 (hg19) VCF-style: chr16-57092958-G-A.
Other names: c.3818G>A, p.Arg1273Gln (NM_001330552.2, NM_001384951.1, NM_001384956.1 and 2 more transcripts); c.3902G>A, p.Arg1301Gln (NM_001384952.1, NM_001384953.1, NM_001384957.1 and 3 more transcripts); c.3821G>A, p.Arg1274Gln (NM_001384954.1, NM_001384965.1); c.3905G>A, p.Arg1302Gln (NM_001384955.1, NM_001384961.1, NM_001384962.1 and 2 more transcripts); c.3728G>A, p.Arg1243Gln (NM_001384960.1); c.3815G>A, p.Arg1272Gln (NM_001384967.1); c.3812G>A, p.Arg1271Gln (NM_001384968.1); c.3578G>A, p.Arg1193Gln (NM_001384972.1); and 2 more; short protein forms R1302Q, R1273Q, R1193Q, R1243Q, R1271Q, R1272Q, R1274Q, R1301Q.
Identifiers: ClinVar variation 103185 (VCV000103185.2), dbSNP rs199476000, ClinGen allele CA230231.